The following is an entry in ClinVar:

NM_004329.3(BMPR1A):c.393C>G (p.Asn131Lys)

Gene: BMPR1A (bone morphogenetic protein receptor type 1A; plus strand). Cytogenetic location: 10q23.2.
Variant type: single nucleotide variant.
Coding change: c.393C>G on transcript NM_004329.3 (MANE Select); coding-DNA position 393, C replaced by G.
Protein change: p.Asn131Lys; replaces asparagine 131 with lysine.
Molecular consequence: missense variant.
Genome position (GRCh38, 1-based): chr10:86,899,853, C>G. VCF-style: chr10-86899853-C-G. GRCh37 (hg19) VCF-style: chr10-88659610-C-G.
Other names: NC_000010.10:g.88659610C>G; short protein forms N131K.
Identifiers: ClinVar variation 185387 (VCV000185387.6), dbSNP rs786202136, ClinGen allele CA191784.

ClinVar aggregate classification (germline): Uncertain significance (1 of 4 stars; one submission).

Conditions:
Hereditary cancer-predisposing syndrome. Also called: Hereditary neoplastic syndrome; Neoplastic Syndromes, Hereditary; Tumor predisposition; Hereditary Cancer Syndrome. Identifiers: Orphanet 140162, MedGen C0027672, MeSH D009386, MONDO:0015356.

Submissions (2):

Ambry Genetics
Classification: Uncertain significance for Hereditary cancer-predisposing syndrome. Last evaluated: 2022-02-15. Review status: criteria provided, single submitter. Criteria: Ambry Variant Classification Scheme 2023. Collection method: clinical testing. Allele origin: germline.
Comment: The p.N131K variant (also known as c.393C>G), located in coding exon 4 of the BMPR1A gene, results from a C to G substitution at nucleotide position 393. The asparagine at codon 131 is replaced by lysine, an amino acid with similar properties. This alteration has been observed in at least one individual with a personal and/or family history that is consistent with Juvenile Polyposis syndrome (Ambry internal data). This amino acid position is highly conserved in available vertebrate species. In addition, the in silico prediction for this alteration is inconclusive. Since supporting evidence is limited at this time, the clinical significance of this alteration remains unclear.

Dr. Peter K. Rogan Lab, Western University
No classification provided (evidence only). Condition: Lung cancer. Review status: no classification provided. Collection method: in vitro. Allele origin: not applicable. Functional consequence: retained intron. Not counted in ClinVar's aggregate classification.